The following is an entry in ClinVar:

ClinVar aggregate classification (germline): Likely benign. Review status: criteria provided, single submitter (1 of 4 stars). 2 submissions from 2 submitters: Likely benign (1). 1 of the submissions does not count toward it. Last evaluated 2025-08-01.

Conditions:
VKORC1-related disorder. Also called: VKORC1-related condition.

Allele frequency attached by ClinVar (database versions not stated): 1000 Genomes Project 30x 0.00031; gnomAD exomes 0.00086; gnomAD 0.00108; TOPMed 0.00120; ExAC 0.00498; 1000 Genomes Project 0.00020.

Submissions (2):

CeGaT Center for Human Genetics Tuebingen
Classification: Likely benign. Last evaluated: 2025-08-01. Review status: criteria provided, single submitter. Criteria: CeGaT Center For Human Genetics Tuebingen Variant Classification Criteria Version 2. Collection method: clinical testing. Allele origin: germline. Affected: yes. Observed: 1 variant allele.
Comment: VKORC1: BP4, BP7

PreventionGenetics, part of Exact Sciences
Classification: Likely benign for VKORC1-related condition. Last evaluated: 2019-02-28. Review status: no assertion criteria provided. Collection method: clinical testing. Allele origin: germline. Not counted in ClinVar's aggregate classification.
Comment: This variant is classified as likely benign based on ACMG/AMP sequence variant interpretation guidelines (Richards et al. 2015 PMID: 25741868, with internal and published modifications).

NM_024006.6(VKORC1):c.283+458G>A

Gene: VKORC1 (vitamin K epoxide reductase complex subunit 1; minus strand). Cytogenetic location: 16p11.2.
Variant type: single nucleotide variant.
Coding change: c.283+458G>A on transcript NM_024006.6 (MANE Select); 458 bases into the intron after coding-DNA position 283, G replaced by A.
Molecular consequence: intron variant. On other transcripts: missense variant (1).
Genome position (GRCh38, 1-based): chr16:31,092,854, C>T on the plus strand (G>A on the coding strand, the complement: VKORC1 is on the minus strand). VCF-style: chr16-31092854-C-T. GRCh37 (hg19) VCF-style: chr16-31104175-C-T.
Other names: c.296G>A, p.Arg99His (NM_001311311.2); c.174-1512G>A (NM_206824.3); short protein forms R99H.
Identifiers: ClinVar variation 3045115 (VCV003045115.10), dbSNP rs370105350, ClinGen allele CA8021161.